The following is an entry in ClinVar:

ClinVar aggregate classification (germline): Uncertain significance (1 of 4 stars; one submission).

Conditions:
Hereditary spastic paraplegia 4. Also called: Spastic paraplegia 4, autosomal dominant; Spastic Paraplegia 4; Familial spastic paraplegia autosomal dominant 2. Identifiers: Orphanet 100985, MedGen C1866855, MONDO:0008438, OMIM 182601.

Submission:

Labcorp Genetics (formerly Invitae), Labcorp
Classification: Uncertain significance for Hereditary spastic paraplegia 4. Last evaluated: 2023-04-09. Review status: criteria provided, single submitter. Criteria: Invitae Variant Classification Sherloc (09022015). Collection method: clinical testing. Allele origin: germline.
Comment: This sequence change falls in intron 9 of the SPAST gene. It does not directly change the encoded amino acid sequence of the SPAST protein. It affects a nucleotide within the consensus splice site. This variant is not present in population databases (gnomAD no frequency). This variant has not been reported in the literature in individuals affected with SPAST-related conditions. Variants that disrupt the consensus splice site are a relatively common cause of aberrant splicing (PMID: 17576681, 9536098). Algorithms developed to predict the effect of sequence changes on RNA splicing suggest that this variant may disrupt the consensus splice site. In summary, the available evidence is currently insufficient to determine the role of this variant in disease. Therefore, it has been classified as a Variant of Uncertain Significance.

Literature cited by the submitters: PubMed 17576681; PubMed 9536098.

NM_014946.4(SPAST):c.1245+2_1245+4dup

Gene: SPAST (spastin; plus strand). Cytogenetic location: 2p22.3.
Variant type: Duplication.
Coding change: c.1245+2_1245+4dup on transcript NM_014946.4 (MANE Select); the canonical splice donor site of the intron after coding-DNA position 1245 through 4 bases into the intron after coding-DNA position 1245, 3 bases duplicated (TGA; older notation c.1245+2_1245+4dupTGA).
Molecular consequence: splice donor variant.
Genome position (GRCh38, 1-based): chr2:32,128,481-32,128,483, TGA duplicated. VCF-style (leftmost placement, unchanged base first): chr2-32128480-G-GTGA. GRCh37 (hg19) VCF-style: chr2-32353549-G-GTGA.
Other names: c.1149+2_1149+4dup (NM_199436.2, NM_001377959.1); c.1242+2_1242+4dup (NM_001363823.2); c.1146+2_1146+4dup (NM_001363875.2).
Identifiers: ClinVar variation 2854252 (VCV002854252.3), dbSNP rs2465865001, ClinGen allele CA2739274298.
Genomic context (GRCh38, chr2:32,128,480, plus strand): 5'-GCTGCAGAATCGAATGCAACCTTCTTTAATATAAGTGCTGCAAGTTTAACTTCAAAATAC[G>GTGA]TGAGTGCTCTGTTTCCAATATTGTCGTATTTTAAGTTACTGTCTAAATGTTACTGTGTTA-3'